The following is an entry in ClinVar:

NM_006269.2(RP1):c.3649A>G (p.Ile1217Val)

Gene: RP1 (RP1 axonemal microtubule associated; plus strand). Cytogenetic location: 8q12.1.
Variant type: single nucleotide variant.
Coding change: c.3649A>G on transcript NM_006269.2 (MANE Select); coding-DNA position 3649, A replaced by G.
Protein change: p.Ile1217Val; replaces isoleucine 1217 with valine.
Molecular consequence: missense variant. On other transcripts: intron variant (1).
Genome position (GRCh38, 1-based): chr8:54,627,531, A>G. VCF-style: chr8-54627531-A-G. GRCh37 (hg19) VCF-style: chr8-55540091-A-G.
Other names: c.787+5243A>G (NM_001375654.1); short protein forms I1217V.
Identifiers: ClinVar variation 969383 (VCV000969383.10), dbSNP rs1043368323, ClinGen allele CA370996967.
Genomic context (GRCh38, chr8:54,627,531, plus strand): 5'-AGTGAGAAAGAACAAGACATGGTTCCAATAGATCTTTCTGCAAATTGTTCCACGGTCAAC[A>G]TTCAGAGTGTTCCTAAGTGCAGTGAAAATGAAAGAACACAAGGAATCTCCTCTTTGGATG-3'
Protein context (NP_006260.1, residues 1207-1227): DLSANCSTVN[Ile1217Val]QSVPKCSENE

ClinVar aggregate classification (germline): Uncertain significance. Review status: criteria provided, multiple submitters, no conflicts (2 of 4 stars). 2 submissions from 2 submitters: Uncertain significance (2). Last evaluated 2023-01-24.

Allele frequency attached by ClinVar (database versions not stated): gnomAD exomes below 0.00001.
gnomAD v4.1: 1 of 1,614,196 alleles (0.000062%); highest among the groups gnomAD compares: Non-Finnish European, 0.000085%; no homozygotes.

Submissions (2):

Blueprint Genetics
Classification: Uncertain significance. Last evaluated: 2023-01-24. Review status: criteria provided, single submitter. Criteria: ACMG Guidelines, 2015. Collection method: clinical testing. Allele origin: germline.

Labcorp Genetics (formerly Invitae), Labcorp
Classification: Uncertain significance. Last evaluated: 2019-10-16. Review status: criteria provided, single submitter. Criteria: Invitae Variant Classification Sherloc (09022015). Collection method: clinical testing. Allele origin: germline.
Comment: This sequence change replaces isoleucine with valine at codon 1217 of the RP1 protein (p.Ile1217Val). The isoleucine residue is moderately conserved and there is a small physicochemical difference between isoleucine and valine. This variant is not present in population databases (ExAC no frequency). This variant has not been reported in the literature in individuals with RP1-related conditions. Algorithms developed to predict the effect of missense changes on protein structure and function output the following: SIFT: "Tolerated"; PolyPhen-2: "Benign"; Align-GVGD: "Class C0". The valine amino acid residue is found in multiple mammalian species, suggesting that this missense change does not adversely affect protein function. These predictions have not been confirmed by published functional studies and their clinical significance is uncertain. In summary, the available evidence is currently insufficient to determine the role of this variant in disease. Therefore, it has been classified as a Variant of Uncertain Significance.